The following is an entry in ClinVar:

ClinVar aggregate classification (germline): Uncertain significance (1 of 4 stars; one submission).

Submission:

GeneDx
Classification: Uncertain significance. Last evaluated: 2023-06-06. Review status: criteria provided, single submitter. Criteria: GeneDx Variant Classification Process June 2021. Collection method: clinical testing. Allele origin: germline. Affected: yes.
Comment: Canonical splice site variant in a gene or region of a gene for which loss of function is not a well-established mechanism of disease; Has not been previously published as pathogenic or benign to our knowledge; No data available from control populations to assess the frequency of this variant

NM_001273.5(CHD4):c.-78-1G>A

Gene: CHD4 (chromodomain helicase DNA binding protein 4; minus strand). Cytogenetic location: 12p13.31.
Variant type: single nucleotide variant.
Coding change: c.-78-1G>A on transcript NM_001273.5 (MANE Select); the canonical splice acceptor site of the intron before 78 bases upstream of the start codon, G replaced by A.
Molecular consequence: splice acceptor variant.
Genome position (GRCh38, 1-based): chr12:6,606,452, C>T on the plus strand (G>A on the coding strand, the complement: CHD4 is on the minus strand). VCF-style: chr12-6606452-C-T. GRCh37 (hg19) VCF-style: chr12-6715618-C-T.
Other names: c.-78-1G>A (NM_001363606.2).
Identifiers: ClinVar variation 3359559 (VCV003359559.1).
Genomic context (GRCh38, chr12:6,606,452, plus strand): 5'-AGGGAATTGGCCCAGCTGCTCCTGCCGGCGGCCTGAGGACCTCTACACTGGCCCGAGTCA[C>T]TGTGCGGGGGAGGGGGGAGAAACACAGAACAGTCAGTGACGCGCACTGTCCCCCTCCCCC-3'